The following is an entry in ClinVar:

NM_007194.4(CHEK2):c.477_478dup (p.Ile160fs)

Gene: CHEK2 (checkpoint kinase 2; minus strand). Cytogenetic location: 22q12.1.
Variant type: Duplication.
Coding change: c.477_478dup on transcript NM_007194.4 (MANE Select); coding-DNA positions 477 to 478, 2 bases duplicated (CA; older notation c.477_478dupCA).
Protein change: p.Ile160fs; shifts the reading frame from isoleucine 160.
Molecular consequence: frameshift variant. On other transcripts: 5 prime UTR variant (2), intron variant (1).
Genome position (GRCh38, 1-based): chr22:28,725,091-28,725,092, TG duplicated on the plus strand (CA on the coding strand, the reverse complement: CHEK2 is on the minus strand); duplicating any 2 consecutive bases within chr22:28,725,091-28,725,093 gives the same sequence; the c. name uses the placement nearest the transcript's 3' end. VCF-style (leftmost placement, unchanged base first): chr22-28725090-A-ATG. GRCh37 (hg19) VCF-style: chr22-29121078-A-ATG.
Other names: c.606_607dup, p.Ile203fs (NM_001005735.3, NM_001438294.1); c.-301_-300dup (NM_001257387.3); c.-187_-186dup (NM_001437942.1); c.570_571dup, p.Ile191fs (NM_001438293.1, NM_001438295.1); c.477_478dup, p.Ile160fs (NM_145862.3); c.444+151_444+152dup (NM_001349956.3); short protein forms I160fs, I203fs, I191fs.
Identifiers: ClinVar variation 2583284 (VCV002583284.2), dbSNP rs2518053998, ClinGen allele CA2582342790.

ClinVar aggregate classification (germline): Pathogenic (1 of 4 stars; one submission).

Conditions:
Familial cancer of breast. Also called: Hereditary breast cancer; BREAST CANCER, FAMILIAL; hereditary breast carcinoma. Identifiers: Orphanet 227535, MedGen C0346153, MONDO:0016419, OMIM 114480. Disease mechanism: loss of function.

Submission:

Myriad Genetics, Inc.
Classification: Pathogenic for Familial cancer of breast. Last evaluated: 2023-06-23. Review status: criteria provided, single submitter. Criteria: Myriad Autosomal Dominant, Autosomal Recessive and X-Linked Classification Criteria (2023). Collection method: clinical testing. Allele origin: unknown.
Comment: This variant is considered pathogenic. This variant creates a frameshift predicted to result in premature protein truncation.